The following is an entry in ClinVar:

NM_001291746.2(REL):c.1352A>G (p.Tyr451Cys)

Gene: REL (REL proto-oncogene, NF-kB subunit; plus strand). Cytogenetic location: 2p16.1.
Variant type: single nucleotide variant.
Coding change: c.1352A>G on transcript NM_001291746.2 (MANE Select); coding-DNA position 1352, A replaced by G.
Protein change: p.Tyr451Cys; replaces tyrosine 451 with cysteine.
Molecular consequence: missense variant.
Genome position (GRCh38, 1-based): chr2:60,922,123, A>G. VCF-style: chr2-60922123-A-G. GRCh37 (hg19) VCF-style: chr2-61149258-A-G.
Other names: c.1448A>G, p.Tyr483Cys (NM_002908.4); c.1448A>G (NM_002908.2); short protein forms Y451C, Y483C.
Identifiers: ClinVar variation 2096990 (VCV002096990.4), dbSNP rs375602629, ClinGen allele CA1672474.

ClinVar aggregate classification (germline): Uncertain significance. Review status: criteria provided, multiple submitters, no conflicts (2 of 4 stars). 2 submissions from 2 submitters: Uncertain significance (2). Last evaluated 2024-10-05.

Allele frequency attached by ClinVar (database versions not stated): gnomAD 0.00001; TOPMed 0.00001; ExAC 0.00002; gnomAD exomes 0.00004; ESP Exome Variant Server 0.00008.
gnomAD v4.1: 53 of 1,614,090 alleles (0.0033%); highest among the groups gnomAD compares: Non-Finnish European, 0.0042%; no homozygotes.

Submissions (2):

Labcorp Genetics (formerly Invitae), Labcorp
Classification: Uncertain significance. Last evaluated: 2024-10-05. Review status: criteria provided, single submitter. Criteria: Invitae Variant Classification Sherloc (09022015). Collection method: clinical testing. Allele origin: germline.
Comment: This sequence change replaces tyrosine, which is neutral and polar, with cysteine, which is neutral and slightly polar, at codon 483 of the REL protein (p.Tyr483Cys). This variant is present in population databases (rs375602629, gnomAD 0.01%). This variant has not been reported in the literature in individuals affected with REL-related conditions. ClinVar contains an entry for this variant (Variation ID: 2096990). An algorithm developed to predict the effect of missense changes on protein structure and function outputs the following: PolyPhen-2: "Benign". The cysteine amino acid residue is found in multiple mammalian species, which suggests that this missense change does not adversely affect protein function. In summary, the available evidence is currently insufficient to determine the role of this variant in disease. Therefore, it has been classified as a Variant of Uncertain Significance.

Ambry Genetics
Classification: Uncertain significance. Last evaluated: 2024-02-21. Review status: criteria provided, single submitter. Criteria: Ambry Variant Classification Scheme 2023. Collection method: clinical testing. Allele origin: germline.